The following is an entry in ClinVar:

NM_004370.6(COL12A1):c.5398A>G (p.Thr1800Ala)

Gene: COL12A1 (collagen type XII alpha 1 chain; minus strand). Cytogenetic location: 6q13.
Variant type: single nucleotide variant.
Coding change: c.5398A>G on transcript NM_004370.6 (MANE Select); coding-DNA position 5398, A replaced by G.
Protein change: p.Thr1800Ala; replaces threonine 1800 with alanine.
Molecular consequence: missense variant.
Genome position (GRCh38, 1-based): chr6:75,134,852, T>C on the plus strand (A>G on the coding strand, the complement: COL12A1 is on the minus strand). VCF-style: chr6-75134852-T-C. GRCh37 (hg19) VCF-style: chr6-75844568-T-C.
Other names: c.5398A>G, p.Thr1800Ala (NM_001424113.1); c.5377A>G, p.Thr1793Ala (NM_001424114.1); c.5125A>G, p.Thr1709Ala (NM_001424115.1); c.1906A>G, p.Thr636Ala (NM_001424116.1, NM_080645.3); short protein forms T1709A, T1793A, T1800A, T636A.
Identifiers: ClinVar variation 2944682 (VCV002944682.3), dbSNP rs2533295935, ClinGen allele CA364736521.

ClinVar aggregate classification (germline): Uncertain significance (1 of 4 stars; one submission).

Conditions:
Ullrich congenital muscular dystrophy 2 (UCMD2). Identifiers: Orphanet 75840, MedGen C4225314, MONDO:0014654, OMIM 616470.
Bethlem myopathy 2 (BTHLM2). Identifiers: Orphanet 536516, Orphanet 610, MedGen C4225313, MONDO:0034022, OMIM 616471.

Submission:

Labcorp Genetics (formerly Invitae), Labcorp
Classification: Uncertain significance for Bethlem myopathy 2; Ullrich congenital muscular dystrophy 2. Last evaluated: 2023-02-24. Review status: criteria provided, single submitter. Criteria: Invitae Variant Classification Sherloc (09022015). Collection method: clinical testing. Allele origin: germline.
Comment: In summary, the available evidence is currently insufficient to determine the role of this variant in disease. Therefore, it has been classified as a Variant of Uncertain Significance. Advanced modeling of protein sequence and biophysical properties (such as structural, functional, and spatial information, amino acid conservation, physicochemical variation, residue mobility, and thermodynamic stability) performed at Invitae indicates that this missense variant is not expected to disrupt COL12A1 protein function. This variant has not been reported in the literature in individuals affected with COL12A1-related conditions. This variant is not present in population databases (gnomAD no frequency). This sequence change replaces threonine, which is neutral and polar, with alanine, which is neutral and non-polar, at codon 1800 of the COL12A1 protein (p.Thr1800Ala).